The following is an entry in ClinVar:

NM_032608.7(MYO18B):c.5402G>A (p.Arg1801Gln)

Gene: MYO18B (myosin XVIIIB; plus strand). Cytogenetic location: 22q12.1.
Variant type: single nucleotide variant.
Coding change: c.5402G>A on transcript NM_032608.7 (MANE Select); coding-DNA position 5402, G replaced by A.
Protein change: p.Arg1801Gln; replaces arginine 1801 with glutamine.
Molecular consequence: missense variant.
Genome position (GRCh38, 1-based): chr22:25,921,294, G>A. VCF-style: chr22-25921294-G-A. GRCh37 (hg19) VCF-style: chr22-26317261-G-A.
Other names: c.5405G>A, p.Arg1802Gln (NM_001318245.2); short protein forms R1801Q, R1802Q.
Identifiers: ClinVar variation 729222 (VCV000729222.12), dbSNP rs183362649, ClinGen allele CA10161157.

ClinVar aggregate classification (germline): Conflicting classifications of pathogenicity. Review status: criteria provided, conflicting classifications (1 of 4 stars). 3 submissions from 3 submitters: Uncertain significance (1); Likely benign (1). 1 of the submissions does not count toward it. Last evaluated 2026-01-06.

Conditions:
Klippel-Feil anomaly-myopathy-facial dysmorphism syndrome. Also called: Klippel-Feil syndrome 4, autosomal recessive, with myopathy and facial dysmorphism; Klippel-feil syndrome 4, autosomal recessive, with nemaline myopathy and facial dysmorphism. Identifiers: Orphanet 447974, MedGen C4225285, MONDO:0014689, OMIM 616549.
MYO18B-related disorder. Also called: MYO18B-related condition.

Allele frequency attached by ClinVar (database versions not stated): gnomAD exomes 0.00013 and 0.00022; ExAC 0.00029; 1000 Genomes Project 0.00040; 1000 Genomes Project 30x 0.00062; ESP Exome Variant Server 0.00065; gnomAD 0.00070 and 0.00076; TOPMed 0.00073.
gnomAD v4.1: 293 of 1,556,112 alleles (0.019%); highest among the groups gnomAD compares: African/African-American, 0.23%; no homozygotes.

Submissions (3):

Labcorp Genetics (formerly Invitae), Labcorp
Classification: Likely benign. Last evaluated: 2026-01-06. Review status: criteria provided, single submitter. Criteria: Invitae Variant Classification Sherloc (09022015). Collection method: clinical testing. Allele origin: germline.

Revvity Omics, Revvity
Classification: Uncertain significance for Klippel-Feil anomaly-myopathy-facial dysmorphism syndrome. Last evaluated: 2023-10-10. Review status: criteria provided, single submitter. Criteria: ACMG Guidelines, 2015. Collection method: clinical testing. Allele origin: germline.

PreventionGenetics, part of Exact Sciences
Classification: Likely benign for MYO18B-related condition. Last evaluated: 2022-05-27. Review status: no assertion criteria provided. Collection method: clinical testing. Allele origin: germline. Not counted in ClinVar's aggregate classification.
Comment: This variant is classified as likely benign based on ACMG/AMP sequence variant interpretation guidelines (Richards et al. 2015 PMID: 25741868, with internal and published modifications).